The following is an entry in ClinVar:

NM_000814.6(GABRB3):c.1237G>A (p.Gly413Arg)

Gene: GABRB3 (gamma-aminobutyric acid type A receptor subunit beta3; minus strand). Cytogenetic location: 15q12.
Variant type: single nucleotide variant.
Coding change: c.1237G>A on transcript NM_000814.6 (MANE Select); coding-DNA position 1237, G replaced by A.
Protein change: p.Gly413Arg; replaces glycine 413 with arginine.
Molecular consequence: missense variant.
Genome position (GRCh38, 1-based): chr15:26,547,978, C>T on the plus strand (G>A on the coding strand, the complement: GABRB3 is on the minus strand). VCF-style: chr15-26547978-C-T. GRCh37 (hg19) VCF-style: chr15-26793125-C-T.
Other names: c.982G>A, p.Gly328Arg (NM_001191320.2, NM_001278631.2); c.1024G>A, p.Gly342Arg (NM_001191321.3); c.1237G>A, p.Gly413Arg (NM_021912.5); short protein forms G328R, G342R, G413R.
Identifiers: ClinVar variation 3252776 (VCV003252776.1), dbSNP rs2504114669.

ClinVar aggregate classification (germline): Uncertain significance (1 of 4 stars; one submission).

Submission:

GeneDx
Classification: Uncertain significance. Last evaluated: 2023-06-15. Review status: criteria provided, single submitter. Criteria: GeneDx Variant Classification Process June 2021. Collection method: clinical testing. Allele origin: germline. Affected: yes.
Comment: Not observed at significant frequency in large population cohorts (gnomAD); In silico analysis supports that this missense variant does not alter protein structure/function; Has not been previously published as pathogenic or benign to our knowledge